The following is an entry in ClinVar:

ClinVar aggregate classification (germline): Benign/Likely benign. Review status: criteria provided, multiple submitters, no conflicts (2 of 4 stars). 3 submissions from 3 submitters: Benign (1); Likely benign (2). Last evaluated 2025-02-25.

Conditions:
Hereditary diffuse gastric adenocarcinoma (HDGC). Also called: DIFFUSE GASTRIC AND LOBULAR BREAST CANCER SYNDROME. Identifiers: Orphanet 26106, MedGen C1708349, MONDO:0007648, OMIM 137215.

Submissions (3):

Labcorp Genetics (formerly Invitae), Labcorp
Classification: Likely benign for Hereditary diffuse gastric adenocarcinoma. Last evaluated: 2025-02-25. Review status: criteria provided, single submitter. Criteria: Invitae Variant Classification Sherloc (09022015). Collection method: clinical testing. Allele origin: germline.

Myriad Genetics, Inc.
Classification: Benign for Hereditary diffuse gastric adenocarcinoma. Last evaluated: 2024-09-24. Review status: criteria provided, single submitter. Criteria: Myriad Autosomal Dominant, Autosomal Recessive and X-Linked Classification Criteria (2023). Collection method: clinical testing. Allele origin: unknown.
Comment: This variant is considered benign. This variant is a silent/synonymous amino acid change and it is not expected to impact splicing.

GeneDx
Classification: Likely benign. Last evaluated: 2018-01-31. Review status: criteria provided, single submitter. Criteria: GeneDx Variant Classification (06012015). Collection method: clinical testing. Allele origin: germline. Affected: yes.
Comment: This variant is considered likely benign or benign based on one or more of the following criteria: it is a conservative change, it occurs at a poorly conserved position in the protein, it is predicted to be benign by multiple in silico algorithms, and/or has population frequency not consistent with disease.

NM_004360.5(CDH1):c.2646C>T (p.Asp882=)

Gene: CDH1 (cadherin 1; plus strand). Cytogenetic location: 16q22.1.
Variant type: single nucleotide variant.
Coding change: c.2646C>T on transcript NM_004360.5 (MANE Select); coding-DNA position 2646, C replaced by T.
Protein change: p.Asp882=; no amino-acid change (aspartic acid 882 retained).
Molecular consequence: synonymous variant.
Genome position (GRCh38, 1-based): chr16:68,833,496, C>T. VCF-style: chr16-68833496-C-T. GRCh37 (hg19) VCF-style: chr16-68867399-C-T.
Other names: c.2646C>T (LRG_301t1); c.2463C>T, p.Asp821= (NM_001317184.2); c.1098C>T, p.Asp366= (NM_001317185.2); c.681C>T, p.Asp227= (NM_001317186.2).
Identifiers: ClinVar variation 515254 (VCV000515254.10), dbSNP rs1555518315, ClinGen allele CA496393238.